The following is an entry in ClinVar:

ClinVar aggregate classification (germline): Pathogenic (1 of 4 stars; one submission).

Conditions:
LAMA2-related muscular dystrophy (LAMA2-RD). Also called: Laminin alpha 2-related dystrophy. Identifiers: MedGen C5679788, MONDO:0100228.

Submission:

Labcorp Genetics (formerly Invitae), Labcorp
Classification: Pathogenic for Laminin alpha 2-related dystrophy. Last evaluated: 2019-05-13. Review status: criteria provided, single submitter. Criteria: Invitae Variant Classification Sherloc (09022015). Collection method: clinical testing. Allele origin: germline.
Comment: This sequence change creates a premature translational stop signal (p.Val2610Cysfs*12) in the LAMA2 gene. It is expected to result in an absent or disrupted protein product. This variant is not present in population databases (ExAC no frequency). This variant has not been reported in the literature in individuals with LAMA2-related conditions. Loss-of-function variants in LAMA2 are known to be pathogenic (PMID: 18700894). For these reasons, this variant has been classified as Pathogenic.

NM_000426.4(LAMA2):c.7827_7848del (p.Val2610fs)

Gene: LAMA2 (laminin subunit alpha 2; plus strand). Cytogenetic location: 6q22.33.
Variant type: Deletion.
Coding change: c.7827_7848del on transcript NM_000426.4 (MANE Select); coding-DNA positions 7827 to 7848, 22 bases deleted (TGTGATCAGACCAGAGCCGAAT).
Protein change: p.Val2610fs; shifts the reading frame from valine 2610.
Molecular consequence: frameshift variant.
Genome position (GRCh38, 1-based): chr6:129,486,551-129,486,572, TGTGATCAGACCAGAGCCGAAT deleted; deleting any 22 consecutive bases within chr6:129,486,548-129,486,572 gives the same sequence; the c. name uses the placement nearest the transcript's 3' end. VCF-style (leftmost placement, unchanged base first): chr6-129486547-AAATTGTGATCAGACCAGAGCCG-A. GRCh37 (hg19) VCF-style: chr6-129807692-AAATTGTGATCAGACCAGAGCCG-A.
Other names: c.7815_7836del, p.Val2606fs (NM_001079823.2); short protein forms V2610fs, V2606fs.
Identifiers: ClinVar variation 950741 (VCV000950741.1), dbSNP rs1784594432, ClinGen allele CA1139659324.